The following is an entry in ClinVar:

NM_000038.6(APC):c.2497A>G (p.Ser833Gly)

Gene: APC (APC regulator of Wnt signaling pathway; plus strand). Cytogenetic location: 5q22.2.
Variant type: single nucleotide variant.
Coding change: c.2497A>G on transcript NM_000038.6 (MANE Select); coding-DNA position 2497, A replaced by G.
Protein change: p.Ser833Gly; replaces serine 833 with glycine.
Molecular consequence: missense variant. On other transcripts: non-coding transcript variant (2).
Genome position (GRCh38, 1-based): chr5:112,838,091, A>G. VCF-style: chr5-112838091-A-G. GRCh37 (hg19) VCF-style: chr5-112173788-A-G.
Other names: c.2374A>G, p.Ser792Gly (NM_001354900.2); c.2194A>G, p.Ser732Gly (NM_001407459.1, NM_001407460.1, NM_001354903.2 and 1 more transcripts); c.2320A>G, p.Ser774Gly (NM_001354901.2, NM_001407453.1); c.2224A>G, p.Ser742Gly (NM_001354902.2); c.2110A>G, p.Ser704Gly (NM_001407467.1, NM_001407469.1); c.2119A>G, p.Ser707Gly (NM_001354904.2); c.1648A>G, p.Ser550Gly (NM_001407470.1, NM_001354906.2); c.2017A>G, p.Ser673Gly (NM_001354905.2); and 11 more; short protein forms S550G, S673G, S707G, S732G, S742G, S774G, S792G, S805G.
Identifiers: ClinVar variation 4119195 (VCV004119195.1).

ClinVar aggregate classification (germline): Uncertain significance (1 of 4 stars; one submission).

Conditions:
Hereditary cancer-predisposing syndrome. Also called: Hereditary neoplastic syndrome; Neoplastic Syndromes, Hereditary; Tumor predisposition; Hereditary Cancer Syndrome. Identifiers: Orphanet 140162, MedGen C0027672, MeSH D009386, MONDO:0015356.

gnomAD v4.1: 1 of 1,614,200 alleles (0.000062%); highest among the groups gnomAD compares: Non-Finnish European, 0.000085%; no homozygotes.

Submission:

Ambry Genetics
Classification: Uncertain significance for Hereditary cancer-predisposing syndrome. Last evaluated: 2025-08-22. Review status: criteria provided, single submitter. Criteria: Ambry Variant Classification Scheme 2023. Collection method: clinical testing. Allele origin: germline.
Comment: The p.S833G variant (also known as c.2497A>G), located in coding exon 15 of the APC gene, results from an A to G substitution at nucleotide position 2497. The serine at codon 833 is replaced by glycine, an amino acid with similar properties. This amino acid position is conserved. In addition, in silico predictors for this gene do not accurately predict pathogenicity. Based on the available evidence, the clinical significance of this variant remains unclear.